The following is an entry in ClinVar:

NM_017882.3(CLN6):c.84-1G>A

Gene: CLN6 (CLN6 transmembrane ER protein; minus strand). Cytogenetic location: 15q23.
Variant type: single nucleotide variant.
Coding change: c.84-1G>A on transcript NM_017882.3 (MANE Select); the canonical splice acceptor site of the intron before coding-DNA position 84, G replaced by A.
Molecular consequence: splice acceptor variant.
Genome position (GRCh38, 1-based): chr15:68,218,651, C>T on the plus strand (G>A on the coding strand, the complement: CLN6 is on the minus strand). VCF-style: chr15-68218651-C-T. GRCh37 (hg19) VCF-style: chr15-68510989-C-T.
Other names: c.180-1G>A (NM_001411068.1).
Identifiers: ClinVar variation 424086 (VCV000424086.9), dbSNP rs1064796787, ClinGen allele CA16620001.

ClinVar aggregate classification (germline): Pathogenic/Likely pathogenic. Review status: criteria provided, multiple submitters, no conflicts (2 of 4 stars). 4 submissions from 4 submitters: Pathogenic (1); Likely pathogenic (3). Last evaluated 2025-02-06.

Conditions:
Ceroid lipofuscinosis, neuronal, 6A. Also called: Neuronal ceroid lipofuscinosis, late infantile, variant; Neuronal ceroid lipofuscinosis, Gypsy/Indian early juvenile variant; Neuronal ceroid lipofuscinosis 6; CLN6-Related Neuronal Ceroid-Lipofuscinosis. Identifiers: Orphanet 168491, Orphanet 228363, MedGen C5551375, MONDO:0011144, OMIM 601780.
Ceroid lipofuscinosis, neuronal, 6B (Kufs type). Also called: Neuronal ceroid lipofuscinosis 4A. Identifiers: Orphanet 700477, MedGen C5561927, MONDO:0008768, OMIM 204300.
Neuronal ceroid lipofuscinosis. Also called: Neuronal Ceroid Lipofuscinoses. Identifiers: Orphanet 216, Orphanet 79263, MedGen C0027877, MONDO:0016295. Disease mechanism: loss of function.

Allele frequency attached by ClinVar (database versions not stated): gnomAD exomes 0.00001.
gnomAD v4.1: 3 of 1,612,176 alleles (0.00019%); highest among the groups gnomAD compares: Admixed American, 0.0033%; no homozygotes.

Submissions (4):

Natera, Inc.
Classification: Pathogenic for Ceroid lipofuscinosis, neuronal, 6A. Last evaluated: 2025-02-06. Review status: criteria provided, single submitter. Criteria: Natera Variant Classification Schema (03/2026). Collection method: clinical testing. Allele origin: germline.
Comment: The c.84-1G>A variant in CLN6 is a canonical splice acceptor site variant predicted to affect pre-mRNA splicing, which may result in an abnormal transcript and altered protein product. This variant is expected to result in nonsense mediated decay, truncation, or a dysfunctional protein product. This variant is rare in the general population with a frequency below the threshold expected for the associated phenotype(s). This variant has been observed in one or more individuals affected with the associated recessive disease, as either homozygous or compound heterozygous with a second variant (PMID: 35505348). Given the available evidence, this variant is classified as Pathogenic.

Fulgent Genetics
Classification: Likely pathogenic for Ceroid lipofuscinosis, neuronal, 6B (Kufs type); Ceroid lipofuscinosis, neuronal, 6A. Last evaluated: 2024-03-06. Review status: criteria provided, single submitter. Criteria: ACMG Guidelines, 2015. Collection method: clinical testing. Allele origin: germline.

Labcorp Genetics (formerly Invitae), Labcorp
Classification: Likely pathogenic for Neuronal ceroid lipofuscinosis. Last evaluated: 2023-12-27. Review status: criteria provided, single submitter. Criteria: Invitae Variant Classification Sherloc (09022015). Collection method: clinical testing. Allele origin: germline.
Comment: This sequence change affects an acceptor splice site in intron 1 of the CLN6 gene. It is expected to disrupt RNA splicing. Variants that disrupt the donor or acceptor splice site typically lead to a loss of protein function (PMID: 16199547), and loss-of-function variants in CLN6 are known to be pathogenic (PMID: 19135028). This variant is present in population databases (no rsID available, gnomAD 0.006%). Disruption of this splice site has been observed in individual(s) with CLN6 disease (PMID: 35505348). ClinVar contains an entry for this variant (Variation ID: 424086). Algorithms developed to predict the effect of sequence changes on RNA splicing suggest that this variant may disrupt the consensus splice site. In summary, the currently available evidence indicates that the variant is pathogenic, but additional data are needed to prove that conclusively. Therefore, this variant has been classified as Likely Pathogenic.

GeneDx
Classification: Likely pathogenic. Last evaluated: 2017-03-02. Review status: criteria provided, single submitter. Criteria: GeneDx Variant Classification (06012015). Collection method: clinical testing. Allele origin: germline. Affected: yes.
Comment: The c.84-1G>A variant in the CLN6 gene has not been reported previously as a pathogenic variant nor as a benign variant, to our knowledge. This splice site variant destroys the canonical splice acceptor site for intron 1. It is predicted to cause abnormal gene splicing, either leading to an abnormal message that is subject to nonsense-mediated mRNA decay, or to an abnormal protein product if the message is used for protein translation. The c.84-1G>A variant is not observed in large population cohorts (Lek et al., 2016; 1000 Genomes Consortium et al., 2015; Exome Variant Server). The c.84-1G>A variant is a strong candidate for a pathogenic variant; however, the possibility it may be a rare benign variant cannot be excluded.

Literature cited by the submitters: PubMed 35505348 (cited by Natera, Inc. and Labcorp Genetics (formerly Invitae), Labcorp); PubMed 16199547 (cited by Labcorp Genetics (formerly Invitae), Labcorp); PubMed 19135028 (cited by Labcorp Genetics (formerly Invitae), Labcorp).